The following is an entry in ClinVar:

NM_002474.3(MYH11):c.2648C>T (p.Ser883Leu)

Gene: MYH11 (myosin heavy chain 11; minus strand). Cytogenetic location: 16p13.11.
Variant type: single nucleotide variant.
Coding change: c.2648C>T on transcript NM_002474.3 (MANE Select); coding-DNA position 2648, C replaced by T.
Protein change: p.Ser883Leu; replaces serine 883 with leucine.
Molecular consequence: missense variant.
Genome position (GRCh38, 1-based): chr16:15,741,764, G>A on the plus strand (C>T on the coding strand, the complement: MYH11 is on the minus strand). VCF-style: chr16-15741764-G-A. GRCh37 (hg19) VCF-style: chr16-15835621-G-A.
Other names: p.S883L:TCG>TTG; c.2669C>T, p.Ser890Leu (NM_001040113.2, NM_001040114.2); c.2648C>T, p.Ser883Leu (NM_022844.3); short protein forms S883L, S890L.
Identifiers: ClinVar variation 201056 (VCV000201056.66), dbSNP rs35035518, ClinGen allele CA306510.

ClinVar aggregate classification (germline): Conflicting classifications of pathogenicity. Review status: criteria provided, conflicting classifications (1 of 4 stars). 10 submissions from 10 submitters: Uncertain significance (1); Benign (3); Likely benign (5). 1 of the submissions does not count toward it. Last evaluated 2026-02-01.

Conditions:
MYH11-related disorder. Also called: MYH11-related condition.
Familial thoracic aortic aneurysm and aortic dissection (TAAD). Also called: Thoracic aortic aneurysms and dissections. Identifiers: Orphanet 91387, MedGen C4707243, MONDO:0019625.
Aortic aneurysm, familial thoracic 4 (AAT4). Also called: AORTIC ANEURYSM/AORTIC DISSECTION AND PATENT DUCTUS ARTERIOSUS. Identifiers: MedGen C1851504, MONDO:0007568, OMIM 132900.

Allele frequency attached by ClinVar (database versions not stated): gnomAD exomes 0.00025 and 0.00039; ExAC 0.00027; gnomAD 0.00030 and 0.00031; TOPMed 0.00034; ESP Exome Variant Server 0.00038; 1000 Genomes Project 0.00060; 1000 Genomes Project 30x 0.00062.
gnomAD v4.1: 443 of 1,614,132 alleles (0.027%); highest among the groups gnomAD compares: African/African-American, 0.049%; 1 homozygote.

Submissions (10):

CeGaT Center for Human Genetics Tuebingen
Classification: Likely benign. Last evaluated: 2026-02-01. Review status: criteria provided, single submitter. Criteria: CeGaT Center For Human Genetics Tuebingen Variant Classification Criteria Version 2. Collection method: clinical testing. Allele origin: germline. Affected: yes. Observed: 15 variant alleles.
Comment: MYH11: BP4

Labcorp Genetics (formerly Invitae), Labcorp
Classification: Benign for Aortic aneurysm, familial thoracic 4. Last evaluated: 2026-01-26. Review status: criteria provided, single submitter. Criteria: Invitae Variant Classification Sherloc (09022015). Collection method: clinical testing. Allele origin: germline.

Blueprint Genetics
Classification: Likely benign. Last evaluated: 2024-05-06. Review status: criteria provided, single submitter. Criteria: ACMG Guidelines, 2015. Collection method: clinical testing. Allele origin: germline.

GeneDx
Classification: Likely benign. Last evaluated: 2021-04-22. Review status: criteria provided, single submitter. Criteria: GeneDx Variant Classification Process June 2021. Collection method: clinical testing. Allele origin: germline. Affected: yes.
Comment: In silico analysis, which includes protein predictors and evolutionary conservation, supports that this variant does not alter protein structure/function

Women's Health and Genetics/Laboratory Corporation of America, LabCorp
Classification: Likely benign. Last evaluated: 2020-05-04. Review status: criteria provided, single submitter. Criteria: LabCorp Variant Classification Summary - May 2015. Collection method: clinical testing. Allele origin: germline.
Comment: Variant summary: MYH11 c.2669C>T (p.Ser890Leu) results in a non-conservative amino acid change located in the Myosin tail domain (IPR002928) of the encoded protein sequence. Four of five in-silico tools predict a benign effect of the variant on protein function. The variant allele was found at a frequency of 0.00039 in 251478 control chromosomes in the gnomAD database, including 1 homozygote. The observed variant frequency is approximately 312 fold of the estimated maximal expected allele frequency for a pathogenic variant in MYH11 causing Aortopathy phenotype (1.3e-06), strongly suggesting that the variant is benign. To our knowledge, no occurrence of c.2669C>T in individuals affected with Aortopathy and no experimental evidence demonstrating its impact on protein function have been reported. Six ClinVar submitters (evaluation after 2014) cite the variant as uncertain significance (2x), likely benign (2x) and benign (2x). Based on the evidence outlined above, the variant was classified as likely benign.

Ambry Genetics
Classification: Likely benign for Familial thoracic aortic aneurysm and aortic dissection. Last evaluated: 2018-11-20. Review status: criteria provided, single submitter. Criteria: Ambry Variant Classification Scheme 2023. Collection method: clinical testing. Allele origin: germline.

Color Diagnostics, LLC DBA Color Health
Classification: Benign for Familial thoracic aortic aneurysm and aortic dissection. Last evaluated: 2018-06-11. Review status: criteria provided, single submitter. Criteria: ACMG Guidelines, 2015. Collection method: clinical testing. Allele origin: germline.

CHEO Genetics Diagnostic Laboratory, Children's Hospital of Eastern Ontario
Classification: Benign for Familial thoracic aortic aneurysm and aortic dissection. Last evaluated: 2018-03-07. Review status: criteria provided, single submitter. Criteria: ACMG Guidelines, 2015. Collection method: clinical testing. Allele origin: germline.

Illumina Laboratory Services, Illumina
Classification: Uncertain significance for Aortic aneurysm, familial thoracic 4. Last evaluated: 2018-01-13. Review status: criteria provided, single submitter. Criteria: ICSL Variant Classification Criteria 13 December 2019. Collection method: clinical testing. Allele origin: germline.

PreventionGenetics, part of Exact Sciences
Classification: Likely benign for MYH11-related condition. Last evaluated: 2024-02-26. Review status: no assertion criteria provided. Collection method: clinical testing. Allele origin: germline. Not counted in ClinVar's aggregate classification.
Comment: This variant is classified as likely benign based on ACMG/AMP sequence variant interpretation guidelines (Richards et al. 2015 PMID: 25741868, with internal and published modifications).

Literature cited by the submitters: PubMed 20226094 (cited by Women's Health and Genetics/Laboratory Corporation of America, LabCorp).